The following is an entry in ClinVar:

NM_000094.4(COL7A1):c.3886G>T (p.Gly1296Cys)

Gene: COL7A1 (collagen type VII alpha 1 chain; minus strand). Cytogenetic location: 3p21.31.
Variant type: single nucleotide variant.
Coding change: c.3886G>T on transcript NM_000094.4 (MANE Select); coding-DNA position 3886, G replaced by T.
Protein change: p.Gly1296Cys; replaces glycine 1296 with cysteine.
Molecular consequence: missense variant.
Genome position (GRCh38, 1-based): chr3:48,585,565, C>A on the plus strand (G>T on the coding strand, the complement: COL7A1 is on the minus strand). VCF-style: chr3-48585565-C-A. GRCh37 (hg19) VCF-style: chr3-48622998-C-A.
Other names: short protein forms G1296C.
Identifiers: ClinVar variation 3604808 (VCV003604808.2).

ClinVar aggregate classification (germline): Uncertain significance (1 of 4 stars; one submission).

gnomAD v4.1: 13 of 1,613,948 alleles (0.00081%); highest among the groups gnomAD compares: Non-Finnish European, 0.0011%; no homozygotes.

Submission:

Labcorp Genetics (formerly Invitae), Labcorp
Classification: Uncertain significance. Last evaluated: 2024-10-27. Review status: criteria provided, single submitter. Criteria: Invitae Variant Classification Sherloc (09022015). Collection method: clinical testing. Allele origin: germline.
Comment: This sequence change replaces glycine, which is neutral and non-polar, with cysteine, which is neutral and slightly polar, at codon 1296 of the COL7A1 protein (p.Gly1296Cys). This variant is not present in population databases (gnomAD no frequency). This variant has not been reported in the literature in individuals affected with COL7A1-related conditions. Invitae Evidence Modeling of protein sequence and biophysical properties (such as structural, functional, and spatial information, amino acid conservation, physicochemical variation, residue mobility, and thermodynamic stability) indicates that this missense variant is expected to disrupt COL7A1 protein function with a positive predictive value of 95%. In summary, the available evidence is currently insufficient to determine the role of this variant in disease. Therefore, it has been classified as a Variant of Uncertain Significance.